The following is an entry in ClinVar:

NM_024675.4(PALB2):c.2363C>T (p.Thr788Ile)

Gene: PALB2 (partner and localizer of BRCA2; minus strand). Cytogenetic location: 16p12.2.
Variant type: single nucleotide variant.
Coding change: c.2363C>T on transcript NM_024675.4 (MANE Select); coding-DNA position 2363, C replaced by T.
Protein change: p.Thr788Ile; replaces threonine 788 with isoleucine.
Molecular consequence: missense variant.
Genome position (GRCh38, 1-based): chr16:23,629,791, G>A on the plus strand (C>T on the coding strand, the complement: PALB2 is on the minus strand). VCF-style: chr16-23629791-G-A. GRCh37 (hg19) VCF-style: chr16-23641112-G-A.
Other names: short protein forms T788I.
Identifiers: ClinVar variation 1478144 (VCV001478144.5), dbSNP rs1567217501, ClinGen allele CA395124762.
Genomic context (GRCh38, chr16:23,629,791, plus strand): 5'-CCTGGCGGGACAGAGTCACAGTCACAGGTAGGTTGTCCTTGCCTGCCTGACACTTGCAGG[G>A]TGGTATGTGGTTTTGCTGGGCTGCCTGAACTGTCGAATTGTTTAGTATCACTGGCAAGAC-3'
Protein context (NP_078951.2, residues 778-798): SSGSPAKPHT[Thr788Ile]LQVSGRQGQP

ClinVar aggregate classification (germline): Uncertain significance. Review status: criteria provided, multiple submitters, no conflicts (2 of 4 stars). 2 submissions from 2 submitters: Uncertain significance (2). Last evaluated 2024-06-12.

Conditions:
Hereditary cancer-predisposing syndrome. Also called: Tumor predisposition; Hereditary Cancer Syndrome; Hereditary neoplastic syndrome; Neoplastic Syndromes, Hereditary. Identifiers: Orphanet 140162, MedGen C0027672, MeSH D009386, MONDO:0015356.
Familial cancer of breast. Also called: hereditary breast carcinoma; Hereditary breast cancer; BREAST CANCER, FAMILIAL. Identifiers: Orphanet 227535, MedGen C0346153, MONDO:0016419, OMIM 114480. Disease mechanism: loss of function.

gnomAD v4.1: 9 of 1,614,214 alleles (0.00056%); highest among the groups gnomAD compares: Non-Finnish European, 0.00076%; no homozygotes.

Submissions (2):

Color Diagnostics, LLC DBA Color Health
Classification: Uncertain significance for Hereditary cancer-predisposing syndrome. Last evaluated: 2024-06-12. Review status: criteria provided, single submitter. Criteria: ACMG Guidelines, 2015. Collection method: clinical testing. Allele origin: germline.
Comment: This missense variant replaces threonine with isoleucine at codon 788 of the PALB2 protein. Computational prediction suggests that this variant may not impact protein structure and function (internally defined REVEL score threshold <= 0.5, PMID: 27666373). To our knowledge, functional studies have not been reported for this variant. This variant has not been reported in individuals affected with PALB2-related disorders in the literature. This variant has not been identified in the general population by the Genome Aggregation Database (gnomAD). The available evidence is insufficient to determine the role of this variant in disease conclusively. Therefore, this variant is classified as a Variant of Uncertain Significance.

Labcorp Genetics (formerly Invitae), Labcorp
Classification: Uncertain significance for Familial cancer of breast. Last evaluated: 2022-07-29. Review status: criteria provided, single submitter. Criteria: Invitae Variant Classification Sherloc (09022015). Collection method: clinical testing. Allele origin: germline.
Comment: This sequence change replaces threonine, which is neutral and polar, with isoleucine, which is neutral and non-polar, at codon 788 of the PALB2 protein (p.Thr788Ile). This variant is not present in population databases (gnomAD no frequency). This variant has not been reported in the literature in individuals affected with PALB2-related conditions. ClinVar contains an entry for this variant (Variation ID: 1478144). Algorithms developed to predict the effect of missense changes on protein structure and function output the following: SIFT: "Tolerated"; PolyPhen-2: "Benign"; Align-GVGD: "Class C0". The isoleucine amino acid residue is found in multiple mammalian species, which suggests that this missense change does not adversely affect protein function. In summary, the available evidence is currently insufficient to determine the role of this variant in disease. Therefore, it has been classified as a Variant of Uncertain Significance.